The following is an entry in ClinVar:

ClinVar aggregate classification (germline): Uncertain significance (1 of 4 stars; one submission).

Conditions:
Candidiasis, familial, 9 (CANDF9). Identifiers: Orphanet 1334, MedGen C4225324, MONDO:0014642, OMIM 616445.

Allele frequency attached by ClinVar (database versions not stated): gnomAD exomes below 0.00001 and 0.00001; ExAC 0.00002; gnomAD 0.00004; TOPMed 0.00005; ESP Exome Variant Server 0.00008.

Submission:

Labcorp Genetics (formerly Invitae), Labcorp
Classification: Uncertain significance for Candidiasis, familial, 9. Last evaluated: 2020-10-09. Review status: criteria provided, single submitter. Criteria: Invitae Variant Classification Sherloc (09022015). Collection method: clinical testing. Allele origin: germline.
Comment: In summary, the available evidence is currently insufficient to determine the role of this variant in disease. Therefore, it has been classified as a Variant of Uncertain Significance. Experimental studies and prediction algorithms are not available or were not evaluated, and the functional significance of this variant is currently unknown. This variant has not been reported in the literature in individuals with IL17RC-related conditions. This variant is present in population databases (rs762617740, ExAC 0.02%). This sequence change results in a premature translational stop signal in the IL17RC gene (p.Ala551Glyfs*44). While this is not anticipated to result in nonsense mediated decay, it is expected to disrupt the last 241 amino acids of the IL17RC protein.

NM_153460.4(IL17RC):c.1438dup (p.Ala480fs)

Gene: IL17RC (interleukin 17 receptor C; plus strand). Cytogenetic location: 3p25.3.
Variant type: Duplication.
Coding change: c.1438dup on transcript NM_153460.4 (MANE Select); coding-DNA position 1438, one base duplicated (G; older notation c.1438dupG).
Protein change: p.Ala480fs; shifts the reading frame from alanine 480.
Molecular consequence: frameshift variant. On other transcripts: non-coding transcript variant (1).
Genome position (GRCh38, 1-based): chr3:9,932,658, G duplicated. VCF-style (leftmost placement, unchanged base first): chr3-9932657-C-CG. GRCh37 (hg19) VCF-style: chr3-9974341-C-CG.
Other names: c.1438dup, p.Ala480fs (NM_001203263.2); c.1387dup, p.Ala463fs (NM_001203264.2); c.1342dup, p.Ala448fs (NM_001203265.2); c.1399dup, p.Ala467fs (NM_001367278.1); c.1318dup, p.Ala440fs (NM_001367279.1); c.1393dup, p.Ala465fs (NM_001367280.1, NM_032732.6); c.1651dup, p.Ala551fs (NM_153461.4); short protein forms A440fs, A448fs, A463fs, A465fs, A467fs, A480fs, A551fs.
Identifiers: ClinVar variation 1002278 (VCV001002278.5), dbSNP rs762617740, ClinGen allele CA2247279.